The following is an entry in ClinVar:

NM_000535.7(PMS2):c.2174+4_2174+5del

Gene: PMS2 (PMS1 homolog 2, mismatch repair system component; minus strand). Cytogenetic location: 7p22.1.
Variant type: Deletion.
Coding change: c.2174+4_2174+5del on transcript NM_000535.7 (MANE Select); bases 4 to 5 of the intron after coding-DNA position 2174, 2 bases deleted (AG; older notation c.2174+4_2174+5delAG).
Molecular consequence: intron variant.
Genome position (GRCh38, 1-based): chr7:5,982,819-5,982,820, CT deleted on the plus strand (AG on the coding strand, the reverse complement: PMS2 is on the minus strand); deleting any 2 consecutive bases within chr7:5,982,819-5,982,821 gives the same sequence; the c. name uses the placement nearest the transcript's 3' end. VCF-style (leftmost placement, unchanged base first): chr7-5982818-ACT-A. GRCh37 (hg19) VCF-style: chr7-6022449-ACT-A.
Other names: c.1709+4_1709+5del (NM_001406900.1); c.1601+4_1601+5del (NM_001406909.1, NM_001322013.2); c.1613+4_1613+5del (NM_001406907.1, NM_001322010.2, NM_001406906.1); c.1769+4_1769+5del (NM_001406892.1, NM_001406888.1, NM_001406890.1 and 14 more transcripts); c.1865+4_1865+5del (NM_001406880.1, NM_001406878.1, NM_001406879.1 and 5 more transcripts); c.1808+4_1808+5del (NM_001406886.1); c.1850+4_1850+5del (NM_001406884.1); c.2006+4_2006+5del (NM_001406874.1); and 16 more.
Identifiers: ClinVar variation 4824566 (VCV004824566.1).

ClinVar aggregate classification (germline): Uncertain significance (1 of 4 stars; one submission).

Conditions:
Hereditary cancer-predisposing syndrome. Also called: Neoplastic Syndromes, Hereditary; Hereditary neoplastic syndrome; Tumor predisposition; Hereditary Cancer Syndrome. Identifiers: Orphanet 140162, MedGen C0027672, MeSH D009386, MONDO:0015356.

Submission:

Ambry Genetics
Classification: Uncertain significance for Hereditary cancer-predisposing syndrome. Last evaluated: 2026-02-19. Review status: criteria provided, single submitter. Criteria: Ambry Variant Classification Scheme 2023. Collection method: clinical testing. Allele origin: germline.
Comment: The c.2174+4_2174+5delAG intronic variant begins 4 nucleotides after coding exon 12 in the PMS2 gene. This variant results from a deletion of 2 nucleotides at positions c.2174+4 to c.2174+5. This nucleotide region is well conserved in available vertebrate species. In silico splice site analysis predicts that this alteration will weaken the native splice donor site and may result in the creation or strengthening of a novel splice donor site. Based on the available evidence, the clinical significance of this variant remains unclear.